The following is an entry in ClinVar:

ClinVar aggregate classification (germline): Uncertain significance (1 of 4 stars; one submission).

Conditions:
STING-associated vasculopathy with onset in infancy. Also called: Sting-associated vasculopathy, infantile-onset. Identifiers: Orphanet 425120, MedGen C4014722, MONDO:0014405, OMIM 615934.

Submission:

Labcorp Genetics (formerly Invitae), Labcorp
Classification: Uncertain significance for STING-associated vasculopathy with onset in infancy. Last evaluated: 2019-05-21. Review status: criteria provided, single submitter. Criteria: Invitae Variant Classification Sherloc (09022015). Collection method: clinical testing. Allele origin: germline.
Comment: This variant is not present in population databases (ExAC no frequency). In summary, the available evidence is currently insufficient to determine the role of this variant in disease. Therefore, it has been classified as a Variant of Uncertain Significance. Algorithms developed to predict the effect of missense changes on protein structure and function (SIFT, PolyPhen-2, Align-GVGD) all suggest that this variant is likely to be tolerated, but these predictions have not been confirmed by published functional studies and their clinical significance is uncertain. This variant has not been reported in the literature in individuals with TMEM173-related conditions. This sequence change replaces isoleucine with leucine at codon 165 of the TMEM173 protein (p.Ile165Leu). The isoleucine residue is moderately conserved and there is a small physicochemical difference between isoleucine and leucine.

NM_198282.4(STING1):c.493A>C (p.Ile165Leu)

Gene: STING1 (stimulator of interferon response cGAMP interactor 1; minus strand). Cytogenetic location: 5q31.2.
Variant type: single nucleotide variant.
Coding change: c.493A>C on transcript NM_198282.4 (MANE Select); coding-DNA position 493, A replaced by C.
Protein change: p.Ile165Leu; replaces isoleucine 165 with leucine.
Molecular consequence: missense variant.
Genome position (GRCh38, 1-based): chr5:139,480,817, T>G on the plus strand (A>C on the coding strand, the complement: STING1 is on the minus strand). VCF-style: chr5-139480817-T-G. GRCh37 (hg19) VCF-style: chr5-138860402-T-G.
Other names: c.493A>C, p.Ile165Leu (NM_001301738.2); c.136A>C, p.Ile46Leu (NM_001367258.1); short protein forms I46L, I165L.
Identifiers: ClinVar variation 850268 (VCV000850268.10), dbSNP rs768359336, ClinGen allele CA361480971.